The following is an entry in ClinVar:

NM_003002.4(SDHD):c.170-18A>C

Gene: SDHD (succinate dehydrogenase complex subunit D; plus strand). Cytogenetic location: 11q23.1.
Variant type: single nucleotide variant.
Coding change: c.170-18A>C on transcript NM_003002.4 (MANE Select); 18 bases into the intron before coding-DNA position 170, A replaced by C.
Molecular consequence: intron variant.
Genome position (GRCh38, 1-based): chr11:112,088,849, A>C. VCF-style: chr11-112088849-A-C. GRCh37 (hg19) VCF-style: chr11-111959573-A-C.
Other names: c.170-18A>C (NM_001276506.2); c.169+876A>C (NM_001276503.2); c.53-18A>C (NM_001276504.2).
Identifiers: ClinVar variation 1562799 (VCV001562799.9), dbSNP rs1402144794, ClinGen allele CA601745085.

ClinVar aggregate classification (germline): Likely benign. Review status: criteria provided, multiple submitters, no conflicts (2 of 4 stars). 2 submissions from 2 submitters: Likely benign (2). Last evaluated 2026-01-09.

Conditions:
Pheochromocytoma/paraganglioma syndrome 1. Also called: PARAGANGLIOMATA; Paragangliomas 1; PARAGANGLIOMAS, FAMILIAL NONCHROMAFFIN, 1; PGL 1; Paragangliomas familial 1; Glomus tumors familial 1. Identifiers: Orphanet 29072, MedGen C3494181, MONDO:0008192, OMIM 168000.
Carney-Stratakis syndrome. Also called: PARAGANGLIOMA AND GASTROINTESTINAL STROMAL TUMOR. Identifiers: Orphanet 97286, MedGen C1847319, MONDO:0011740, OMIM 606864.
Paragangliomas with sensorineural hearing loss. Identifiers: MedGen C1868633.
Cowden syndrome 3 (CWS3). Identifiers: Orphanet 201, MedGen CN166604, MONDO:0014045.
Pheochromocytoma. Also called: MAX-Related Hereditary Paraganglioma-Pheochromocytoma Syndrome. Identifiers: Orphanet 29072, MedGen C0031511, MONDO:0008233, OMIM 171300, HP:0002666.

Allele frequency attached by ClinVar (database versions not stated): gnomAD exomes below 0.00001; TOPMed below 0.00001; gnomAD 0.00001.

Submissions (2):

Labcorp Genetics (formerly Invitae), Labcorp
Classification: Likely benign for Carney-Stratakis syndrome; Paragangliomas with sensorineural hearing loss; Pheochromocytoma; Cowden syndrome 3. Last evaluated: 2026-01-09. Review status: criteria provided, single submitter. Criteria: Invitae Variant Classification Sherloc (09022015). Collection method: clinical testing. Allele origin: germline.

Myriad Genetics, Inc.
Classification: Likely benign for Pheochromocytoma/paraganglioma syndrome 1. Last evaluated: 2025-03-17. Review status: criteria provided, single submitter. Criteria: Myriad Autosomal Dominant, Autosomal Recessive and X-Linked Classification Criteria (2023). Collection method: clinical testing. Allele origin: unknown.
Comment: This variant is considered likely benign. This variant is intronic and is not expected to impact mRNA splicing.